The following is an entry in ClinVar:

NM_007118.4(TRIO):c.6449G>A (p.Arg2150Gln)

Gene: TRIO (trio Rho guanine nucleotide exchange factor; plus strand). Cytogenetic location: 5p15.2.
Variant type: single nucleotide variant.
Coding change: c.6449G>A on transcript NM_007118.4 (MANE Select); coding-DNA position 6449, G replaced by A.
Protein change: p.Arg2150Gln; replaces arginine 2150 with glutamine.
Molecular consequence: missense variant. On other transcripts: non-coding transcript variant (1).
Genome position (GRCh38, 1-based): chr5:14,481,602, G>A. VCF-style: chr5-14481602-G-A. GRCh37 (hg19) VCF-style: chr5-14481711-G-A.
Other names: short protein forms R2150Q.
Identifiers: ClinVar variation 1313281 (VCV001313281.27), dbSNP rs182423419, ClinGen allele CA3207119.

ClinVar aggregate classification (germline): Uncertain significance. Review status: criteria provided, multiple submitters, no conflicts (2 of 4 stars). 2 submissions from 2 submitters: Uncertain significance (2). Last evaluated 2023-07-01.

Allele frequency attached by ClinVar (database versions not stated): gnomAD exomes below 0.00001; TOPMed below 0.00001; ExAC 0.00001; gnomAD 0.00001; 1000 Genomes Project 0.00020; 1000 Genomes Project 30x 0.00031.
gnomAD v4.1: 11 of 1,613,998 alleles (0.00068%); highest among the groups gnomAD compares: East Asian, 0.0022%; no homozygotes.

Submissions (2):

CeGaT Center for Human Genetics Tuebingen
Classification: Uncertain significance. Last evaluated: 2023-07-01. Review status: criteria provided, single submitter. Criteria: CeGaT Center For Human Genetics Tuebingen Variant Classification Criteria Version 2. Collection method: clinical testing. Allele origin: germline. Affected: yes. Observed: 1 variant allele.
Comment: TRIO: PP3

GeneDx
Classification: Uncertain significance. Last evaluated: 2020-10-19. Review status: criteria provided, single submitter. Criteria: GeneDx Variant Classification Process June 2021. Collection method: clinical testing. Allele origin: germline. Affected: yes.
Comment: In silico analysis supports that this missense variant has a deleterious effect on protein structure/function; Has not been previously published as pathogenic or benign to our knowledge